The following is an entry in ClinVar:

ClinVar aggregate classification (germline): Pathogenic (1 of 4 stars; one submission).

Submission:

Labcorp Genetics (formerly Invitae), Labcorp
Classification: Pathogenic. Last evaluated: 2023-04-21. Review status: criteria provided, single submitter. Criteria: Invitae Variant Classification Sherloc (09022015). Collection method: clinical testing. Allele origin: germline.
Comment: This variant has not been reported in the literature in individuals affected with OTOF-related conditions. This variant is a gross deletion of the genomic region encompassing exon(s) 12-13 of the OTOF gene. This deletion is out-of-frame, and is expected to create a premature termination codon and result in an absent or disrupted protein product. Loss-of-function variants in OTOF are known to be pathogenic (PMID: 18381613, 19250381, 22575033). For these reasons, this variant has been classified as Pathogenic.

Literature cited by the submitters: PubMed 18381613; PubMed 19250381; PubMed 22575033.

NC_000002.11:g.(?_26706310)_(26707521_?)del

Gene: OTOF (otoferlin; minus strand). Cytogenetic location: 2p23.3.
Variant type: Deletion.
Identifiers: ClinVar variation 1459692 (VCV001459692.6).